The following is an entry in ClinVar:

ClinVar aggregate classification (germline): Uncertain significance (0 of 4 stars; one submission).

Conditions:
MC4R-related disorder. Also called: MC4R-related condition.

Submission:

PreventionGenetics, part of Exact Sciences
Classification: Uncertain significance for MC4R-related condition. Last evaluated: 2024-07-03. Review status: no assertion criteria provided. Collection method: clinical testing. Allele origin: germline.
Comment: The MC4R c.757G>T variant is predicted to result in the amino acid substitution p.Val253Phe. To our knowledge, this variant has not been reported in the literature or in a large population database, indicating this variant is rare. A different missense variant affecting this residue has been reported in several individuals with obesity (p.Val253Ile, Farooqi et al. 2000. PubMed ID: 10903343; Stutzmann et al. 2008. PubMed ID: 18559663; Patient 26, Kleinendorst et al. 2018. PubMed ID: 29970488. At this time, the clinical significance of the c.757G>T variant is uncertain due to the absence of conclusive functional and genetic evidence.

NM_005912.3(MC4R):c.757G>T (p.Val253Phe)

Gene: MC4R (melanocortin 4 receptor; minus strand). Cytogenetic location: 18q21.32.
Variant type: single nucleotide variant.
Coding change: c.757G>T on transcript NM_005912.3 (MANE Select); coding-DNA position 757, G replaced by T.
Protein change: p.Val253Phe; replaces valine 253 with phenylalanine.
Molecular consequence: missense variant.
Genome position (GRCh38, 1-based): chr18:60,371,593, C>A on the plus strand (G>T on the coding strand, the complement: MC4R is on the minus strand). VCF-style: chr18-60371593-C-A. GRCh37 (hg19) VCF-style: chr18-58038826-C-A.
Other names: short protein forms V253F.
Identifiers: ClinVar variation 3344645 (VCV003344645.1).